The following is an entry in ClinVar:

ClinVar aggregate classification (germline): Uncertain significance. Review status: criteria provided, multiple submitters, no conflicts (2 of 4 stars). 2 submissions from 2 submitters: Uncertain significance (2). Last evaluated 2025-03-26.

Conditions:
Hereditary cancer-predisposing syndrome. Also called: Neoplastic Syndromes, Hereditary; Tumor predisposition; Hereditary neoplastic syndrome; Hereditary Cancer Syndrome. Identifiers: Orphanet 140162, MedGen C0027672, MeSH D009386, MONDO:0015356.

Allele frequency attached by ClinVar (database versions not stated): ExAC 0.00003.
gnomAD v4.1: 6 of 1,614,156 alleles (0.00037%); highest among the groups gnomAD compares: Admixed American, 0.0017%; no homozygotes.

Submissions (2):

Ambry Genetics
Classification: Uncertain significance for Hereditary cancer-predisposing syndrome. Last evaluated: 2025-03-26. Review status: criteria provided, single submitter. Criteria: Ambry Variant Classification Scheme 2023. Collection method: clinical testing. Allele origin: germline.
Comment: The p.R258L variant (also known as c.773G>T), located in coding exon 2 of the HOXB13 gene, results from a G to T substitution at nucleotide position 773. The arginine at codon 258 is replaced by leucine, an amino acid with dissimilar properties. This alteration was identified in 1/2225 healthy controls and was not identified in 1843 prostate cancer cases (Akbari MR et al. J. Natl. Cancer Inst., 2012 Aug;104:1260-2). This amino acid position is highly conserved in available vertebrate species. In addition, this alteration is predicted to be deleterious by in silico analysis. Based on the available evidence, the clinical significance of this variant remains unclear.

Labcorp Genetics (formerly Invitae), Labcorp
Classification: Uncertain significance. Last evaluated: 2025-01-22. Review status: criteria provided, single submitter. Criteria: Invitae Variant Classification Sherloc (09022015). Collection method: clinical testing. Allele origin: germline.
Comment: This sequence change replaces arginine, which is basic and polar, with leucine, which is neutral and non-polar, at codon 258 of the HOXB13 protein (p.Arg258Leu). This variant is present in population databases (rs367732101, gnomAD 0.003%). This variant has not been reported in the literature in individuals affected with HOXB13-related conditions. ClinVar contains an entry for this variant (Variation ID: 827233). Invitae Evidence Modeling of protein sequence and biophysical properties (such as structural, functional, and spatial information, amino acid conservation, physicochemical variation, residue mobility, and thermodynamic stability) indicates that this missense variant is expected to disrupt HOXB13 protein function with a positive predictive value of 80%. In summary, the available evidence is currently insufficient to determine the role of this variant in disease. Therefore, it has been classified as a Variant of Uncertain Significance.

Literature cited by the submitters: PubMed 22781434 (cited by Ambry Genetics).

NM_006361.6(HOXB13):c.773G>T (p.Arg258Leu)

Gene: HOXB13 (homeobox B13; minus strand). Cytogenetic location: 17q21.32.
Variant type: single nucleotide variant.
Coding change: c.773G>T on transcript NM_006361.6 (MANE Select); coding-DNA position 773, G replaced by T.
Protein change: p.Arg258Leu; replaces arginine 258 with leucine.
Molecular consequence: missense variant.
Genome position (GRCh38, 1-based): chr17:48,726,872, C>A on the plus strand (G>T on the coding strand, the complement: HOXB13 is on the minus strand). VCF-style: chr17-48726872-C-A. GRCh37 (hg19) VCF-style: chr17-46804234-C-A.
Other names: short protein forms R258L.
Identifiers: ClinVar variation 827233 (VCV000827233.14), dbSNP rs367732101, ClinGen allele CA8633911.